The following is an entry in ClinVar:

ClinVar aggregate classification (germline): Conflicting classifications of pathogenicity. Review status: criteria provided, conflicting classifications (1 of 4 stars). 5 submissions from 5 submitters: Pathogenic (3); Uncertain significance (2). Last evaluated 2025-12-21.

Conditions:
TULP1-related disorder. Also called: TULP1-related disorders; TULP1-related condition.
Retinitis pigmentosa 14 (RP14). Also called: RETINITIS PIGMENTOSA, JUVENILE, TULP1-RELATED. Identifiers: Orphanet 791, MedGen C1838603, MONDO:0010827, OMIM 600132.
Leber congenital amaurosis (LCA). Also called: Leber's amaurosis. Identifiers: Orphanet 65, MedGen C0339527, MeSH D057130, MONDO:0018998.

Allele frequency attached by ClinVar (database versions not stated): gnomAD exomes below 0.00001.
gnomAD v4.1: 3 of 1,614,220 alleles (0.00019%); highest among the groups gnomAD compares: African/African-American, 0.0027%; no homozygotes.

Submissions (5):

Labcorp Genetics (formerly Invitae), Labcorp
Classification: Pathogenic. Last evaluated: 2025-12-21. Review status: criteria provided, single submitter. Criteria: Invitae Variant Classification Sherloc (09022015). Collection method: clinical testing. Allele origin: germline.
Comment: This sequence change replaces glycine, which is neutral and non-polar, with arginine, which is basic and polar, at codon 363 of the TULP1 protein (p.Gly363Arg). This variant is not present in population databases (gnomAD no frequency). This missense change has been observed in individuals with inherited retinal dystrophy (PMID: 26103963, 33921607; internal data). ClinVar contains an entry for this variant (Variation ID: 1042725). Invitae Evidence Modeling of protein sequence and biophysical properties (such as structural, functional, and spatial information, amino acid conservation, physicochemical variation, residue mobility, and thermodynamic stability) indicates that this missense variant is expected to disrupt TULP1 protein function with a positive predictive value of 95%. For these reasons, this variant has been classified as Pathogenic.

Women's Health and Genetics/Laboratory Corporation of America, LabCorp
Classification: Pathogenic for Leber congenital amaurosis. Last evaluated: 2024-07-16. Review status: criteria provided, single submitter. Criteria: LabCorp Variant Classification Summary - May 2015. Collection method: clinical testing. Allele origin: germline.
Comment: Variant summary: TULP1 c.1087G>A (p.Gly363Arg) results in a non-conservative amino acid change located in the Tubby, C-terminal domain (IPR000007) of the encoded protein sequence. Five of five in-silico tools predict a damaging effect of the variant on protein function. The variant was absent in 251412 control chromosomes. c.1087G>A has been reported in the literature in multiple homozygous individuals affected with inherited retinal dystrophy and/or cone and cone-rod dystrophy (example, Azab_2021, Boulanger-Scemama_2015), and segregated with disease in at least 1 family. These data indicate that the variant is very likely to be associated with disease. To our knowledge, no experimental evidence demonstrating an impact on protein function has been reported. The following publications have been ascertained in the context of this evaluation (PMID: 33921607, 26103963, 34906470, 38540785). ClinVar contains an entry for this variant (Variation ID: 1042725). Based on the evidence outlined above, the variant was classified as pathogenic.

Blueprint Genetics
Classification: Pathogenic for TULP1-related disorders. Last evaluated: 2023-01-25. Review status: criteria provided, single submitter. Criteria: ACMG Guidelines, 2015. Collection method: clinical testing. Allele origin: germline. Affected: yes. Observed: 5 variant alleles.

GeneDx
Classification: Uncertain significance. Last evaluated: 2022-11-03. Review status: criteria provided, single submitter. Criteria: GeneDx Variant Classification Process June 2021. Collection method: clinical testing. Allele origin: germline. Affected: yes.
Comment: Not observed at significant frequency in large population cohorts (gnomAD); In silico analysis supports that this missense variant has a deleterious effect on protein structure/function; This variant is associated with the following publications: (PMID: 27440997, 31574917, 26103963, 33921607, 34865612)

Ocular Genomics Institute, Massachusetts Eye and Ear
Classification: Uncertain significance for Retinitis pigmentosa 14. Last evaluated: 2021-04-08. Review status: criteria provided, single submitter. Criteria: ACMG Guidelines, 2015. Collection method: research. Allele origin: germline. Affected: yes.
Comment: Through a review of available evidence we were able to apply the following criteria: PM2. Based on this evidence we have classified this variant as Variant of Uncertain Significance.

Literature cited by the submitters: PubMed 26103963 (cited by Labcorp Genetics (formerly Invitae), Labcorp and Women's Health and Genetics/Laboratory Corporation of America, LabCorp); PubMed 33921607 (cited by Labcorp Genetics (formerly Invitae), Labcorp and Women's Health and Genetics/Laboratory Corporation of America, LabCorp); PubMed 34906470 (cited by Women's Health and Genetics/Laboratory Corporation of America, LabCorp); PubMed 38540785 (cited by Women's Health and Genetics/Laboratory Corporation of America, LabCorp).

NM_003322.6(TULP1):c.1087G>A (p.Gly363Arg)

Gene: TULP1 (TUB like protein 1; minus strand). Cytogenetic location: 6p21.31.
Variant type: single nucleotide variant.
Coding change: c.1087G>A on transcript NM_003322.6 (MANE Select); coding-DNA position 1087, G replaced by A.
Protein change: p.Gly363Arg; replaces glycine 363 with arginine.
Molecular consequence: missense variant.
Genome position (GRCh38, 1-based): chr6:35,505,766, C>T on the plus strand (G>A on the coding strand, the complement: TULP1 is on the minus strand). VCF-style: chr6-35505766-C-T. GRCh37 (hg19) VCF-style: chr6-35473543-C-T.
Other names: c.928G>A, p.Gly310Arg (NM_001289395.2); short protein forms G310R, G363R.
Identifiers: ClinVar variation 1042725 (VCV001042725.12), dbSNP rs1761067394, ClinGen allele CA363779654.